The following is an entry in ClinVar:

NM_004991.4(MECOM):c.3000T>A (p.His1000Gln)

Gene: MECOM (MDS1 and EVI1 complex locus; minus strand). Cytogenetic location: 3q26.2.
Variant type: single nucleotide variant.
Coding change: c.3000T>A on transcript NM_004991.4 (MANE Select); coding-DNA position 3000, T replaced by A.
Protein change: p.His1000Gln; replaces histidine 1000 with glutamine.
Molecular consequence: missense variant.
Genome position (GRCh38, 1-based): chr3:169,095,095, A>T on the plus strand (T>A on the coding strand, the complement: MECOM is on the minus strand). VCF-style: chr3-169095095-A-T. GRCh37 (hg19) VCF-style: chr3-168812883-A-T.
Other names: c.2631T>A, p.His877Gln (NM_001105077.4); c.2436T>A, p.His812Gln (NM_001105078.4, NM_001205194.2, NM_001366469.2 and 1 more transcripts); c.2412T>A, p.His804Gln (NM_001163999.2, NM_001366470.2); c.2409T>A, p.His803Gln (NM_001164000.2, NM_001366471.2, NM_001366472.2); c.2973T>A, p.His991Gln (NM_001366466.2); c.2439T>A, p.His813Gln (NM_001366467.2, NM_001366468.2); c.2001T>A, p.His667Gln (NM_001366473.2); c.1437T>A, p.His479Gln (NM_001366474.2); short protein forms H1000Q, H479Q, H667Q, H813Q, H804Q, H803Q, H812Q, H877Q.
Identifiers: ClinVar variation 4053297 (VCV004053297.1).

ClinVar aggregate classification (germline): Uncertain significance (1 of 4 stars; one submission).

Conditions:
Inborn genetic diseases. Identifiers: MedGen C0950123, MeSH D030342.

Submission:

Ambry Genetics
Classification: Uncertain significance for Inborn genetic diseases. Last evaluated: 2025-05-28. Review status: criteria provided, single submitter. Criteria: Ambry Variant Classification Scheme 2023. Collection method: clinical testing. Allele origin: germline.
Comment: The p.H1000Q variant (also known as c.3000T>A), located in coding exon 13 of the MECOM gene, results from a T to A substitution at nucleotide position 3000. The histidine at codon 1000 is replaced by glutamine, an amino acid with highly similar properties. This amino acid position is conserved. In addition, the in silico prediction for this alteration is inconclusive. Based on the available evidence, the clinical significance of this variant remains unclear.